The following is an entry in ClinVar:

NM_001999.4(FBN2):c.2651G>C (p.Ser884Thr)

Gene: FBN2 (fibrillin 2; minus strand). Cytogenetic location: 5q23.3.
Variant type: single nucleotide variant.
Coding change: c.2651G>C on transcript NM_001999.4 (MANE Select); coding-DNA position 2651, G replaced by C.
Protein change: p.Ser884Thr; replaces serine 884 with threonine.
Molecular consequence: missense variant.
Genome position (GRCh38, 1-based): chr5:128,357,299, C>G on the plus strand (G>C on the coding strand, the complement: FBN2 is on the minus strand). VCF-style: chr5-128357299-C-G. GRCh37 (hg19) VCF-style: chr5-127692991-C-G.
Other names: short protein forms S884T.
Identifiers: ClinVar variation 213288 (VCV000213288.17), dbSNP rs139035999, ClinGen allele CA322791.
Genomic context (GRCh38, chr5:128,357,299, plus strand): 5'-GTGAAATTGAAGCATCAGTATTGTGTATGAATCTTACCAATACAGATCAATCCTGTGGAG[C>G]TGAGTTTGCTGCCGGGCGAACATTCACAATTGAAAGATCCAAGGTTGTTTCTGCAGGCCC-3'
Protein context (NP_001990.2, residues 874-894): NCECSPGSKL[Ser884Thr]STGLICIDSL

ClinVar aggregate classification (germline): Conflicting classifications of pathogenicity. Review status: criteria provided, conflicting classifications (1 of 4 stars). 3 submissions from 3 submitters: Uncertain significance (1); Benign (1); Likely benign (1). Last evaluated 2025-12-16.

Conditions:
Familial thoracic aortic aneurysm and aortic dissection (TAAD). Also called: Thoracic aortic aneurysms and dissections. Identifiers: Orphanet 91387, MedGen C4707243, MONDO:0019625.
Congenital contractural arachnodactyly (CCA). Also called: Beals-Hecht syndrome; BEALS SYNDROME; Arthrogryposis, distal, type 9. Identifiers: Orphanet 115, MedGen C0220668, MONDO:0007363, OMIM 121050.

Allele frequency attached by ClinVar (database versions not stated): ExAC 0.00005; TOPMed 0.00017; gnomAD 0.00023 and 0.00026; gnomAD exomes 0.00002 and 0.00004; ESP Exome Variant Server 0.00031.
gnomAD v4.1: 64 of 1,613,818 alleles (0.004%); highest among the groups gnomAD compares: African/African-American, 0.08%; no homozygotes.

Submissions (3):

Labcorp Genetics (formerly Invitae), Labcorp
Classification: Likely benign for Congenital contractural arachnodactyly. Last evaluated: 2025-12-16. Review status: criteria provided, single submitter. Criteria: Invitae Variant Classification Sherloc (09022015). Collection method: clinical testing. Allele origin: germline.

Ambry Genetics
Classification: Benign for Familial thoracic aortic aneurysm and aortic dissection. Last evaluated: 2025-04-16. Review status: criteria provided, single submitter. Criteria: Ambry Variant Classification Scheme 2023. Collection method: clinical testing. Allele origin: germline.

GeneDx
Classification: Uncertain significance. Last evaluated: 2023-06-20. Review status: criteria provided, single submitter. Criteria: GeneDx Variant Classification Process June 2021. Collection method: clinical testing. Allele origin: germline. Affected: yes.
Comment: Has not been previously published as pathogenic or benign to our knowledge; In silico analysis supports that this missense variant does not alter protein structure/function; Although located in a calcium-binding EGF-like domain of the FBN2 gene, it does not affect a cysteine residue within this domain; cysteine substitutions in the calcium-binding EGF-like domains represent the majority of pathogenic missense changes associated with FBN2-related disorders (Frederic et al., 2009)